The following is an entry in ClinVar:

NM_020800.3(IFT80):c.2099G>A (p.Arg700Lys)

Genes: IFT80 (intraflagellar transport 80; minus strand), TRIM59-IFT80 (TRIM59-IFT80 readthrough (NMD candidate); minus strand). Cytogenetic location: 3q25.33.
Variant type: single nucleotide variant.
Coding change: c.2099G>A on transcript NM_020800.3 (MANE Select); coding-DNA position 2099, G replaced by A.
Protein change: p.Arg700Lys; replaces arginine 700 with lysine.
Molecular consequence: missense variant. On other transcripts: non-coding transcript variant (3).
Genome position (GRCh38, 1-based): chr3:160,277,306, C>T on the plus strand (G>A on the coding strand, the complement: IFT80 is on the minus strand). VCF-style: chr3-160277306-C-T. GRCh37 (hg19) VCF-style: chr3-159995094-C-T.
Other names: c.1688G>A, p.Arg563Lys (NM_001190241.2, NM_001190242.2); short protein forms R700K, R563K.
Identifiers: ClinVar variation 2192404 (VCV002192404.4), dbSNP rs1466884033, ClinGen allele CA355190109.

ClinVar aggregate classification (germline): Uncertain significance (1 of 4 stars; one submission).

Conditions:
Jeune thoracic dystrophy. Also called: Jeune syndrome; Infantile thoracic dystrophy; Thoracic pelvic phalangeal dystrophy; Jeune's syndrome; Chondroectodermal dysplasia-like syndrome; Short-rib thoracic dysplasia. Identifiers: Orphanet 474, MedGen C0265275, MONDO:0018770.

Allele frequency attached by ClinVar (database versions not stated): TOPMed below 0.00001; gnomAD 0.00001.
gnomAD v4.1: 1 of 1,611,580 alleles (0.000062%); highest among the groups gnomAD compares: Non-Finnish European, 0.000085%; no homozygotes.

Submission:

Labcorp Genetics (formerly Invitae), Labcorp
Classification: Uncertain significance for Jeune thoracic dystrophy. Last evaluated: 2024-10-16. Review status: criteria provided, single submitter. Criteria: Invitae Variant Classification Sherloc (09022015). Collection method: clinical testing. Allele origin: germline.
Comment: This sequence change replaces arginine, which is basic and polar, with lysine, which is basic and polar, at codon 700 of the IFT80 protein (p.Arg700Lys). This variant also falls at the last nucleotide of exon 18, which is part of the consensus splice site for this exon. This variant is not present in population databases (gnomAD no frequency). This variant has not been reported in the literature in individuals affected with IFT80-related conditions. ClinVar contains an entry for this variant (Variation ID: 2192404). An algorithm developed to predict the effect of missense changes on protein structure and function (PolyPhen-2) suggests that this variant is likely to be disruptive. Variants that disrupt the consensus splice site are a relatively common cause of aberrant splicing (PMID: 17576681, 9536098). Algorithms developed to predict the effect of sequence changes on RNA splicing suggest that this variant may disrupt the consensus splice site. In summary, the available evidence is currently insufficient to determine the role of this variant in disease. Therefore, it has been classified as a Variant of Uncertain Significance.

Literature cited by the submitters: PubMed 17576681; PubMed 9536098.